The following is an entry in ClinVar:

NM_001080508.3(TBX18):c.1364C>G (p.Pro455Arg)

Gene: TBX18 (T-box transcription factor 18; minus strand). Cytogenetic location: 6q14.3.
Variant type: single nucleotide variant.
Coding change: c.1364C>G on transcript NM_001080508.3 (MANE Select); coding-DNA position 1364, C replaced by G.
Protein change: p.Pro455Arg; replaces proline 455 with arginine.
Molecular consequence: missense variant.
Genome position (GRCh38, 1-based): chr6:84,737,145, G>C on the plus strand (C>G on the coding strand, the complement: TBX18 is on the minus strand). VCF-style: chr6-84737145-G-C. GRCh37 (hg19) VCF-style: chr6-85446863-G-C.
Other names: short protein forms P455R.
Identifiers: ClinVar variation 2636703 (VCV002636703.1), dbSNP rs773526620, ClinGen allele CA3910848.

ClinVar aggregate classification (germline): Uncertain significance (1 of 4 stars; one submission).

Conditions:
TBX18-related disorder. Also called: TBX18-related condition.

Allele frequency attached by ClinVar (database versions not stated): TOPMed below 0.00001; ExAC 0.00001; gnomAD exomes 0.00001.
gnomAD v4.1: 3 of 1,614,188 alleles (0.00019%); highest among the groups gnomAD compares: Middle Eastern, 0.049%; no homozygotes.

Submission:

PreventionGenetics, part of Exact Sciences
Classification: Uncertain significance for TBX18-related condition. Last evaluated: 2023-07-06. Review status: criteria provided, single submitter. Criteria: ACMG Guidelines, 2015. Collection method: clinical testing. Allele origin: germline.
Comment: The TBX18 c.1364C>G variant is predicted to result in the amino acid substitution p.Pro455Arg. To our knowledge, this variant has not been reported in the literature. This variant is reported in one out of ~250,000 alleles in gnomAD. At this time, the clinical significance of this variant is uncertain due to the absence of conclusive functional and genetic evidence.